The following is an entry in ClinVar:

ClinVar aggregate classification (germline): Uncertain significance (1 of 4 stars; one submission).

Submission:

GeneDx
Classification: Uncertain significance. Last evaluated: 2025-01-14. Review status: criteria provided, single submitter. Criteria: GeneDx Variant Classification Process June 2021. Collection method: clinical testing. Allele origin: germline. Affected: yes.
Comment: Not observed at significant frequency in large population cohorts (gnomAD); In silico analysis indicates that this missense variant does not alter protein structure/function; Has not been previously published as pathogenic or benign to our knowledge

NM_170606.3(KMT2C):c.7423A>T (p.Met2475Leu)

Gene: KMT2C (lysine methyltransferase 2C; minus strand). Cytogenetic location: 7q36.1.
Variant type: single nucleotide variant.
Coding change: c.7423A>T on transcript NM_170606.3 (MANE Select); coding-DNA position 7423, A replaced by T.
Protein change: p.Met2475Leu; replaces methionine 2475 with leucine.
Molecular consequence: missense variant.
Genome position (GRCh38, 1-based): chr7:152,179,853, T>A on the plus strand (A>T on the coding strand, the complement: KMT2C is on the minus strand). VCF-style: chr7-152179853-T-A. GRCh37 (hg19) VCF-style: chr7-151876938-T-A.
Other names: short protein forms M2475L.
Identifiers: ClinVar variation 4057027 (VCV004057027.1).